The following is an entry in ClinVar:

ClinVar aggregate classification (germline): Uncertain significance (1 of 4 stars; one submission).

Submission:

Dasa
Classification: Uncertain significance. Last evaluated: 2026-03-04. Review status: criteria provided, single submitter. Criteria: DASA Assertion Criteria. Collection method: clinical testing. Allele origin: germline.
Comment: NM_031844.3(HNRNPU):c.662G>A (p.Gly221Asp) is a missense variant that results in the substitution of glycine with aspartic acid. This variant is rare in population databases. The currently available literature and clinical evidence are not sufficient to establish a definitive association between this variant and the reported condition. Therefore, this variant is classified as a variant of uncertain significance.

NM_031844.3(HNRNPU):c.662G>A (p.Gly221Asp)

Gene: HNRNPU (heterogeneous nuclear ribonucleoprotein U; minus strand). Cytogenetic location: 1q44.
Variant type: single nucleotide variant.
Coding change: c.662G>A on transcript NM_031844.3 (MANE Select); coding-DNA position 662, G replaced by A.
Protein change: p.Gly221Asp; replaces glycine 221 with aspartic acid.
Molecular consequence: missense variant. On other transcripts: intron variant (1).
Genome position (GRCh38, 1-based): chr1:244,863,646, C>T on the plus strand (G>A on the coding strand, the complement: HNRNPU is on the minus strand). VCF-style: chr1-244863646-C-T. GRCh37 (hg19) VCF-style: chr1-245026948-C-T.
Other names: c.634+28G>A (NM_004501.3); short protein forms G221D.
Identifiers: ClinVar variation 4881595 (VCV004881595.2).